The following is an entry in ClinVar:

NM_001134363.3(RBM20):c.1999G>A (p.Ala667Thr)

Gene: RBM20 (RNA binding motif protein 20; plus strand). Cytogenetic location: 10q25.2.
Variant type: single nucleotide variant.
Coding change: c.1999G>A on transcript NM_001134363.3 (MANE Select); coding-DNA position 1999, G replaced by A.
Protein change: p.Ala667Thr; replaces alanine 667 with threonine.
Molecular consequence: missense variant.
Genome position (GRCh38, 1-based): chr10:110,812,396, G>A. VCF-style: chr10-110812396-G-A. GRCh37 (hg19) VCF-style: chr10-112572154-G-A.
Other names: short protein forms A667T.
Identifiers: ClinVar variation 2086795 (VCV002086795.4), dbSNP rs780115137, ClinGen allele CA378370819.

ClinVar aggregate classification (germline): Uncertain significance (1 of 4 stars; one submission).

Conditions:
Dilated cardiomyopathy 1DD (CMD1DD). Identifiers: Orphanet 154, MedGen C2750995, MONDO:0013168, OMIM 613172.

Submission:

Labcorp Genetics (formerly Invitae), Labcorp
Classification: Uncertain significance for Dilated cardiomyopathy 1DD. Last evaluated: 2022-01-17. Review status: criteria provided, single submitter. Criteria: Invitae Variant Classification Sherloc (09022015). Collection method: clinical testing. Allele origin: germline.
Comment: This variant has not been reported in the literature in individuals affected with RBM20-related conditions. This sequence change replaces alanine, which is neutral and non-polar, with threonine, which is neutral and polar, at codon 667 of the RBM20 protein (p.Ala667Thr). This variant is not present in population databases (gnomAD no frequency). Advanced modeling of protein sequence and biophysical properties (such as structural, functional, and spatial information, amino acid conservation, physicochemical variation, residue mobility, and thermodynamic stability) performed at Invitae indicates that this missense variant is not expected to disrupt RBM20 protein function. In summary, the available evidence is currently insufficient to determine the role of this variant in disease. Therefore, it has been classified as a Variant of Uncertain Significance.